The following is an entry in ClinVar:

ClinVar aggregate classification (germline): Uncertain significance (1 of 4 stars; one submission).

Conditions:
Congenital sideroblastic anemia-B-cell immunodeficiency-periodic fever-developmental delay syndrome. Also called: Sideroblastic anemia with B-cell immunodeficiency, periodic fevers, and developmental delay. Identifiers: Orphanet 369861, MedGen C4015172, MONDO:0014487, OMIM 616084.

Submission:

Labcorp Genetics (formerly Invitae), Labcorp
Classification: Uncertain significance for Congenital sideroblastic anemia-B-cell immunodeficiency-periodic fever-developmental delay syndrome. Last evaluated: 2024-11-18. Review status: criteria provided, single submitter. Criteria: Invitae Variant Classification Sherloc (09022015). Collection method: clinical testing. Allele origin: germline.
Comment: This variant, c.1298_1300del, results in the deletion of 1 amino acid(s) of the TRNT1 protein (p.Lys433del), but otherwise preserves the integrity of the reading frame. This variant is not present in population databases (gnomAD no frequency). This variant has not been reported in the literature in individuals affected with TRNT1-related conditions. ClinVar contains an entry for this variant (Variation ID: 644524). Experimental studies and prediction algorithms are not available or were not evaluated, and the functional significance of this variant is currently unknown. In summary, the available evidence is currently insufficient to determine the role of this variant in disease. Therefore, it has been classified as a Variant of Uncertain Significance.

NM_182916.3(TRNT1):c.1295AGA[1] (p.Lys433del)

Gene: TRNT1 (tRNA nucleotidyl transferase 1; plus strand). Cytogenetic location: 3p26.2.
Variant type: Microsatellite.
Coding change: c.1295AGA[1] on transcript NM_182916.3 (MANE Select); one copy of the 3-base unit AGA starting at c.1295; the reference has two copies in a row; one copy, 3 bases deleted; also written c.1298_1300del.
Protein change: p.Lys433del; deletes lysine 433.
Molecular consequence: inframe deletion. On other transcripts: non-coding transcript variant (8).
Genome position (GRCh38, 1-based): chr3:3,148,147-3,148,149, AGA deleted; deleting any 3 consecutive bases within chr3:3,148,143-3,148,149 gives the same sequence; the position shown is the placement nearest the transcript's 3' end. VCF-style (leftmost placement, unchanged base first): chr3-3148142-AAAG-A. GRCh37 (hg19) VCF-style: chr3-3189826-AAAG-A.
Other names: c.1298_1300del (NM_182916.2); c.1235AGA[1], p.Lys413del (NM_001302946.2); c.1295AGA[1], p.Lys433del (NM_001367321.1, NM_001367322.1, NM_001367323.1); short protein forms K413del, K433del.
Identifiers: ClinVar variation 644524 (VCV000644524.6), dbSNP rs1575068543, ClinGen allele CA915941821.